The following is an entry in ClinVar:

NM_007194.4(CHEK2):c.444+3A>G

Gene: CHEK2 (checkpoint kinase 2; minus strand). Cytogenetic location: 22q12.1.
Variant type: single nucleotide variant.
Coding change: c.444+3A>G on transcript NM_007194.4 (MANE Select); 3 bases into the intron after coding-DNA position 444, A replaced by G.
Molecular consequence: intron variant.
Genome position (GRCh38, 1-based): chr22:28,725,240, T>C on the plus strand (A>G on the coding strand, the complement: CHEK2 is on the minus strand). VCF-style: chr22-28725240-T-C. GRCh37 (hg19) VCF-style: chr22-29121228-T-C.
Other names: c.-220+3A>G (NM_001437942.1); c.444+3A>G (NM_001349956.3, NM_145862.3); c.-334+3A>G (NM_001257387.3); c.537+3A>G (NM_001438295.1, NM_001438293.1); c.573+3A>G (NM_001438294.1, NM_001005735.3).
Identifiers: ClinVar variation 140788 (VCV000140788.37), dbSNP rs587781279, ClinGen allele CA163557.
Genomic context (GRCh38, chr22:28,725,240, plus strand): 5'-AAATATCTAAAAACAATGACCAAATTACCAGCTCTCCTAGATACATGGGTATTCATTACC[T>C]ACCCTGAAAATCCGAAAGTGTTTCTTGCTGTATGTTCGGTATTTATCTGTTCTTTTCAGC-3'

ClinVar aggregate classification (germline): Conflicting classifications of pathogenicity. Review status: criteria provided, conflicting classifications (1 of 4 stars). 10 submissions from 10 submitters: Uncertain significance (5); Likely benign (2). 3 of the submissions do not count toward it. Last evaluated 2026-01-07.

Conditions:
CHEK2-related disorder.
Hereditary cancer-predisposing syndrome. Also called: Tumor predisposition; Hereditary neoplastic syndrome; Hereditary Cancer Syndrome; Neoplastic Syndromes, Hereditary. Identifiers: Orphanet 140162, MedGen C0027672, MeSH D009386, MONDO:0015356.
Familial cancer of breast. Also called: Hereditary breast cancer; hereditary breast carcinoma; BREAST CANCER, FAMILIAL. Identifiers: Orphanet 227535, MedGen C0346153, MONDO:0016419, OMIM 114480. Disease mechanism: loss of function.
Malignant tumor of breast. Also called: Cancer breast; Malignant breast neoplasm. Identifiers: MedGen C0006142, MONDO:0007254. Disease mechanism: loss of function.

Allele frequency attached by ClinVar (database versions not stated): gnomAD exomes 0.00001.
gnomAD v4.1: 13 of 1,614,146 alleles (0.00081%); highest among the groups gnomAD compares: Non-Finnish European, 0.0011%; no homozygotes.

Submissions (10):

Labcorp Genetics (formerly Invitae), Labcorp
Classification: Likely benign for Familial cancer of breast. Last evaluated: 2026-01-07. Review status: criteria provided, single submitter. Criteria: Invitae Variant Classification Sherloc (09022015). Collection method: clinical testing. Allele origin: germline.

Color Diagnostics, LLC DBA Color Health
Classification: Uncertain significance for Hereditary cancer-predisposing syndrome. Last evaluated: 2025-12-16. Review status: criteria provided, single submitter. Criteria: ACMG Guidelines, 2015. Collection method: clinical testing. Allele origin: germline.
Comment: This variant causes an A to G nucleotide substitution at the +3 position of intron 3 of the CHEK2 gene. Splice prediction tools suggest that this variant may not disrupt RNA splicing. A minigene assay showed this variant predominantly expressed the full-length transcript (PMID: 37725924). This variant has been reported in an individual with personal or family history of breast, ovarian or pancreatic cancer (PMID: 32957588). This variant has been identified in 13/1614146 chromosomes in the general population by the Genome Aggregation Database (gnomAD). The available evidence is insufficient to determine the role of this variant in disease conclusively. Therefore, this variant is classified as a Variant of Uncertain Significance.

CeGaT Center for Human Genetics Tuebingen
Classification: Uncertain significance. Last evaluated: 2025-11-01. Review status: criteria provided, single submitter. Criteria: CeGaT Center For Human Genetics Tuebingen Variant Classification Criteria Version 2. Collection method: clinical testing. Allele origin: germline. Affected: yes. Observed: 1 variant allele.
Comment: CHEK2: PM2, BP4, BS3:Supporting

Myriad Genetics, Inc.
Classification: Uncertain significance for Familial cancer of breast. Last evaluated: 2023-03-09. Review status: criteria provided, single submitter. Criteria: Myriad Autosomal Dominant, Autosomal Recessive and X-Linked Classification Criteria (2023). Collection method: clinical testing. Allele origin: unknown.
Comment: This variant is classified as a variant of uncertain significance as there is insufficient evidence to determine its impact on protein function and/or cancer risk.

GeneDx
Classification: Uncertain significance. Last evaluated: 2022-09-15. Review status: criteria provided, single submitter. Criteria: GeneDx Variant Classification Process June 2021. Collection method: clinical testing. Allele origin: germline. Affected: yes.
Comment: Not observed at significant frequency in large population cohorts (gnomAD); In silico analysis supports that this variant does not alter splicing; This variant is associated with the following publications: (PMID: 18058223, 32957588, 33840814)

Ambry Genetics
Classification: Likely benign for Hereditary cancer-predisposing syndrome. Last evaluated: 2019-09-25. Review status: criteria provided, single submitter. Criteria: Ambry Variant Classification Scheme 2023. Collection method: clinical testing. Allele origin: germline.

Department of Pediatric Oncology,  Hematology and Clinical Immunology, University Clinics Duesseldorf
Classification: Uncertain significance for Hereditary cancer-predisposing syndrome. Review status: criteria provided, single submitter. Criteria: ACMG Guidelines, 2015. Collection method: research. Allele origin: maternal. Affected: yes. Observed: 1 heterozygote.

PreventionGenetics, part of Exact Sciences
Classification: Likely benign for CHEK2-related condition. Last evaluated: 2024-04-23. Review status: no assertion criteria provided. Collection method: clinical testing. Allele origin: germline. Not counted in ClinVar's aggregate classification.
Comment: This variant is classified as likely benign based on ACMG/AMP sequence variant interpretation guidelines (Richards et al. 2015 PMID: 25741868, with internal and published modifications).

Counsyl
Classification: Uncertain significance for Familial cancer of breast. Last evaluated: 2016-06-27. Review status: no assertion criteria provided. Collection method: clinical testing. Allele origin: unknown. Not counted in ClinVar's aggregate classification.

Department of Pathology and Laboratory Medicine, Sinai Health System
Classification: Uncertain significance for Malignant tumor of breast. Review status: no assertion criteria provided. Collection method: clinical testing. Allele origin: unknown. Affected: yes. Observed: 1 variant allele. Study: The Canadian Open Genetics Repository (COGR). Not counted in ClinVar's aggregate classification.
Comment: The CHEK2 c.444+3A>G variant was not identified in the literature nor was it identified in Cosmic, or the Zhejiang University database. The variant was identified in dbSNP (ID: rs587781279) as "With Uncertain significance allele", and in ClinVar (classified as uncertain significance by Ambry Genetics, Invitae, Counsyl, GeneDx and Color Genomics). The variant was identified in control databases in 2 of 246042 chromosomes at a frequency of 0.00001 (Genome Aggregation Database Feb 27, 2017). The variant was observed in European population in 2 of 111510 chromosomes (freq: 0.00002), while the variant was not observed in the African, Other, Latino, Ashkenazi Jewish, East Asian, Finnish, and South Asian populations. The c.444+3A>G variant is located in the 5' splice region but does not affect the invariant +1 and +2 positions. However, positions +3 to +6 are part of the splicing consensus sequence and variants involving these positions sometimes affect splicing. In addition, 2 of 5 in silico or computational prediction software programs (SpliceSiteFinder, MaxEntScan, NNSPLICE, GeneSplicer, HumanSpliceFinder) predict a greater than 10% difference in splicing. In summary, based on the above information the clinical significance of this variant cannot be determined with certainty at this time. This variant is classified as a variant of uncertain significance.

Literature cited by the submitters: PubMed 32957588 (cited by Color Diagnostics, LLC DBA Color Health); PubMed 33840814 (cited by Color Diagnostics, LLC DBA Color Health); PubMed 37725924 (cited by Color Diagnostics, LLC DBA Color Health); PubMed 18058223 (cited by Ambry Genetics).